The following is an entry in ClinVar:

ClinVar aggregate classification (germline): Likely pathogenic (1 of 4 stars; one submission).

Submission:

Labcorp Genetics (formerly Invitae), Labcorp
Classification: Likely pathogenic. Last evaluated: 2023-10-04. Review status: criteria provided, single submitter. Criteria: Invitae Variant Classification Sherloc (09022015). Collection method: clinical testing. Allele origin: unknown.
Comment: This variant results in a copy number gain of the genomic region encompassing exon(s) 2 of the OSTM1 gene. While the exact position of this variant cannot be determined from the data, sub-genic copy number gains are generally in tandem (PMID: 25640679). This variant is predicted to be out-of-frame, and may result in an absent or disrupted protein product. Loss-of-function variants in OSTM1 are known to be pathogenic (PMID: 12627228, 15108279, 16813530). This variant has not been reported in the literature in individuals affected with OSTM1-related conditions. In summary, the currently available evidence indicates that the variant is pathogenic, but additional data are needed to prove that conclusively. Therefore, this variant has been classified as Likely Pathogenic.

Literature cited by the submitters: PubMed 25640679; PubMed 12627228; PubMed 15108279; PubMed 16813530.

NC_000006.11:g.(?_108385369)_(108385523_?)dup

Gene: OSTM1 (osteoclastogenesis associated transmembrane protein 1; minus strand). Cytogenetic location: 6q21.
Variant type: Duplication.
Identifiers: ClinVar variation 3246217 (VCV003246217.1).